The following is an entry in ClinVar:

NM_003265.3(TLR3):c.2054G>A (p.Gly685Glu)

Gene: TLR3 (toll like receptor 3; plus strand). Cytogenetic location: 4q35.1.
Variant type: single nucleotide variant.
Coding change: c.2054G>A on transcript NM_003265.3 (MANE Select); coding-DNA position 2054, G replaced by A.
Protein change: p.Gly685Glu; replaces glycine 685 with glutamic acid.
Molecular consequence: missense variant.
Genome position (GRCh38, 1-based): chr4:186,083,740, G>A. VCF-style: chr4-186083740-G-A. GRCh37 (hg19) VCF-style: chr4-187004894-G-A.
Other names: short protein forms G685E.
Identifiers: ClinVar variation 2163729 (VCV002163729.4), dbSNP rs2099303915, ClinGen allele CA358934845.
Genomic context (GRCh38, chr4:186,083,740, plus strand): 5'-ATACCAACATCCCTGAGCTGTCAAGCCACTACCTTTGCAACACTCCACCTCACTATCATG[G>A]GTTCCCAGTGAGACTTTTTGATACATCATCTTGCAAAGACAGTGCCCCCTTTGAACTCTT-3'
Protein context (NP_003256.1, residues 675-695): YLCNTPPHYH[Gly685Glu]FPVRLFDTSS

ClinVar aggregate classification (germline): Uncertain significance (1 of 4 stars; one submission).

Conditions:
Encephalopathy, acute, infection-induced (herpes-specific), susceptibility to, 1. Also called: Herpes simplex encephalitis, susceptibility to, 1. Identifiers: Orphanet 1930, MedGen C2750180, MONDO:0024563, OMIM 610551.

Allele frequency attached by ClinVar (database versions not stated): gnomAD exomes below 0.00001; TOPMed 0.00001.

Submission:

Labcorp Genetics (formerly Invitae), Labcorp
Classification: Uncertain significance for Encephalopathy, acute, infection-induced (herpes-specific), susceptibility to, 1. Last evaluated: 2022-06-02. Review status: criteria provided, single submitter. Criteria: Invitae Variant Classification Sherloc (09022015). Collection method: clinical testing. Allele origin: germline.
Comment: This sequence change replaces glycine, which is neutral and non-polar, with glutamic acid, which is acidic and polar, at codon 685 of the TLR3 protein (p.Gly685Glu). In summary, the available evidence is currently insufficient to determine the role of this variant in disease. Therefore, it has been classified as a Variant of Uncertain Significance. Algorithms developed to predict the effect of missense changes on protein structure and function are either unavailable or do not agree on the potential impact of this missense change (SIFT: "Deleterious"; PolyPhen-2: "Benign"; Align-GVGD: "Class C0"). This variant has not been reported in the literature in individuals affected with TLR3-related conditions. This variant is not present in population databases (gnomAD no frequency).